The following is an entry in ClinVar:

NM_000535.7(PMS2):c.2175-65_2175-61del

Gene: PMS2 (PMS1 homolog 2, mismatch repair system component; minus strand). Cytogenetic location: 7p22.1.
Variant type: Microsatellite.
Coding change: c.2175-65_2175-61del on transcript NM_000535.7 (MANE Select); 65 bases into the intron before coding-DNA position 2175 through 61 bases into the intron before coding-DNA position 2175, 5 bases deleted (ATTTC; older notation c.2175-65_2175-61delATTTC).
Molecular consequence: intron variant.
Genome position (GRCh38, 1-based): chr7:5,978,757-5,978,761, GAAAT deleted on the plus strand (ATTTC on the coding strand, the reverse complement: PMS2 is on the minus strand); deleting any 5 consecutive bases within chr7:5,978,757-5,978,770 gives the same sequence; the c. name uses the placement nearest the transcript's 3' end. VCF-style (leftmost placement, unchanged base first): chr7-5978756-AGAAAT-A. GRCh37 (hg19) VCF-style: chr7-6018387-AGAAAT-A.
Other names: c.2175-65_2175-61delATTTC (NM_000535.5); c.1857-65_1857-61del (NM_001322008.2, NM_001322007.2); c.1614-65_1614-61del (NM_001322010.2); c.1770-65_1770-61del (NM_001322004.2, NM_001322003.2, NM_001322009.2 and 1 more transcripts); c.1602-65_1602-61del (NM_001322013.2); c.1242-65_1242-61del (NM_001322012.2, NM_001322011.2); c.1866-65_1866-61del (NM_001322015.2); c.2019-65_2019-61del (NM_001322006.2); and 1 more.
Identifiers: ClinVar variation 633367 (VCV000633367.1), dbSNP rs1417472000, ClinGen allele CA572544131.

ClinVar aggregate classification (germline): Uncertain significance (1 of 4 stars; one submission).

Submission:

Women's Health and Genetics/Laboratory Corporation of America, LabCorp
Classification: Uncertain significance. Last evaluated: 2018-02-03. Review status: criteria provided, single submitter. Criteria: LabCorp Variant Classification Summary - May 2015. Collection method: clinical testing. Allele origin: germline.
Comment: Variant summary: PMS2 c.2175-65_2175-61delATTTC is a deep intronic variant located at a position not widely known to affect splicing. 5/5 computational tools predict no significant impact on normal splicing. However, these predictions have yet to be confirmed by functional studies. The available data on variant occurrences in the general population are insufficient to allow any conclusion about variant significance. To our knowledge, no occurrence of c.2175-65_2175-61delATTTC in individuals affected with Lynch Syndrome and no experimental evidence demonstrating its impact on protein function have been reported. No clinical diagnostic laboratories have submitted clinical-significance assessments for this variant to ClinVar after 2014. Based on the evidence outlined above, the variant was classified as uncertain significance.